The following is an entry in ClinVar:

NM_000686.5(AGTR2):c.743G>A (p.Arg248Lys)

Gene: AGTR2 (angiotensin II receptor type 2; plus strand). Cytogenetic location: Xq23.
Variant type: single nucleotide variant.
Coding change: c.743G>A on transcript NM_000686.5 (MANE Select); coding-DNA position 743, G replaced by A.
Protein change: p.Arg248Lys; replaces arginine 248 with lysine.
Molecular consequence: missense variant.
Genome position (GRCh38, 1-based): chrX:116,173,023, G>A. VCF-style: chrX-116173023-G-A. GRCh37 (hg19) VCF-style: chrX-115304276-G-A.
Other names: short protein forms R248K.
Identifiers: ClinVar variation 93332 (VCV000093332.14), dbSNP rs5191, ClinGen allele CA146864.
Genomic context (GRCh38, chrX:116,173,023, plus strand): 5'-CAACATGCTATTTTGGAATTAGAAAACACTTACTGAAGACGAATAGCTATGGGAAGAACA[G>A]GATAACCCGTGACCAAGTCCTGAAGATGGCAGCTGCTGTTGTTCTGGCCTTCATCATTTG-3'
Protein context (NP_000677.2, residues 238-258): LLKTNSYGKN[Arg248Lys]ITRDQVLKMA

ClinVar aggregate classification (germline): Benign. Review status: criteria provided, multiple submitters, no conflicts (2 of 4 stars). 5 submissions from 5 submitters: Benign (4). 1 of the submissions does not count toward it. Last evaluated 2018-08-20.

Conditions:
AGTR2-related disorder. Also called: AGTR2-related condition.

Allele frequency attached by ClinVar (database versions not stated): 1000 Genomes Project 0.01219; 1000 Genomes Project 30x 0.01249; gnomAD exomes 0.00128 and 0.00342; gnomAD 0.01214 and 0.01132; ExAC 0.00411; ESP Exome Variant Server 0.01344; TOPMed 0.01345.
gnomAD v4.1: 2,737 of 1,209,676 alleles (0.23%); highest among the groups gnomAD compares: African/African-American, 4.1%; 33 homozygotes.

Submissions (5):

Labcorp Genetics (formerly Invitae), Labcorp
Classification: Benign. Last evaluated: 2018-08-20. Review status: criteria provided, single submitter. Criteria: Invitae Variant Classification Sherloc (09022015). Collection method: clinical testing. Allele origin: germline.

Ambry Genetics
Classification: Benign. Last evaluated: 2015-07-16. Review status: criteria provided, single submitter. Criteria: Ambry Variant Classification Scheme 2023. Collection method: clinical testing. Allele origin: germline.

Eurofins Ntd Llc (ga)
Classification: Benign. Last evaluated: 2013-10-31. Review status: criteria provided, single submitter. Criteria: EGL Classification Definitions 2015. Collection method: clinical testing. Allele origin: germline. Observed: 1 variant allele, 1 hemizygote.

Breakthrough Genomics
Classification: Benign. Review status: criteria provided, single submitter. Criteria: ACMG Guidelines, 2015. Collection method: not provided. Allele origin: germline. Inheritance: Unknown mechanism. Affected: yes.

PreventionGenetics, part of Exact Sciences
Classification: Benign for AGTR2-related condition. Last evaluated: 2019-03-08. Review status: no assertion criteria provided. Collection method: clinical testing. Allele origin: germline. Not counted in ClinVar's aggregate classification.
Comment: This variant is classified as benign based on ACMG/AMP sequence variant interpretation guidelines (Richards et al. 2015 PMID: 25741868, with internal and published modifications).